The following is an entry in ClinVar:

ClinVar aggregate classification (germline): Likely pathogenic. Review status: criteria provided, single submitter (1 of 4 stars). 3 submissions from 3 submitters: Likely pathogenic (1). 2 of the submissions do not count toward it. Last evaluated 2023-07-13.

Conditions:
Bardet-Biedl syndrome (BBS). Identifiers: Orphanet 110, MedGen C0752166, MONDO:0015229.
Bardet-Biedl syndrome 2 (BBS2). Identifiers: Orphanet 110, MedGen C2936863, MONDO:0014432, OMIM 615981.
BBS2-related disorder. Also called: BBS2-related disorders; BBS2-related condition. Identifiers: MedGen CN239228.

Submissions (3):

Labcorp Genetics (formerly Invitae), Labcorp
Classification: Likely pathogenic for Bardet-Biedl syndrome. Last evaluated: 2023-07-13. Review status: criteria provided, single submitter. Criteria: Invitae Variant Classification Sherloc (09022015). Collection method: clinical testing. Allele origin: germline.
Comment: In summary, the currently available evidence indicates that the variant is pathogenic, but additional data are needed to prove that conclusively. Therefore, this variant has been classified as Likely Pathogenic. Algorithms developed to predict the effect of sequence changes on RNA splicing suggest that this variant may disrupt the consensus splice site. ClinVar contains an entry for this variant (Variation ID: 557254). Disruption of this splice site has been observed in individual(s) with clinical features of Bardet-Biedl syndrome (Invitae). This variant is not present in population databases (gnomAD no frequency). This sequence change affects an acceptor splice site in intron 15 of the BBS2 gene. It is expected to disrupt RNA splicing. Variants that disrupt the donor or acceptor splice site typically lead to a loss of protein function (PMID: 16199547), and loss-of-function variants in BBS2 are known to be pathogenic (PMID: 11285252, 20177705, 24608809, 26518167).

PreventionGenetics, part of Exact Sciences
Classification: Likely pathogenic for BBS2-related condition. Last evaluated: 2023-10-27. Review status: no assertion criteria provided. Collection method: clinical testing. Allele origin: germline. Not counted in ClinVar's aggregate classification.
Comment: The BBS2 c.1911-1G>A variant is predicted to disrupt the AG splice acceptor site and interfere with normal splicing. This variant was reported in a carrier screening paper; however, to our knowledge it has not been reported in any individuals with BBS2 related disorders (Capalbo et al. 2019. PubMed ID: 31589614). This variant has not been reported in a large population database, indicating this variant is rare. Variants that disrupt the consensus splice acceptor site in BBS2 are expected to be pathogenic. This variant is interpreted as likely pathogenic.

Counsyl
Classification: Likely pathogenic for Bardet-Biedl syndrome 2. Last evaluated: 2018-03-19. Review status: no assertion criteria provided. Collection method: clinical testing. Allele origin: unknown. Not counted in ClinVar's aggregate classification.

Literature cited by the submitters: PubMed 16199547 (cited by Labcorp Genetics (formerly Invitae), Labcorp); PubMed 11285252 (cited by Labcorp Genetics (formerly Invitae), Labcorp); PubMed 20177705 (cited by Labcorp Genetics (formerly Invitae), Labcorp); PubMed 24608809 (cited by Labcorp Genetics (formerly Invitae), Labcorp); PubMed 26518167 (cited by Labcorp Genetics (formerly Invitae), Labcorp).

NM_031885.5(BBS2):c.1911-1G>A

Gene: BBS2 (Bardet-Biedl syndrome 2; minus strand). Cytogenetic location: 16q13.
Variant type: single nucleotide variant.
Coding change: c.1911-1G>A on transcript NM_031885.5 (MANE Select); the canonical splice acceptor site of the intron before coding-DNA position 1911, G replaced by A.
Molecular consequence: splice acceptor variant.
Genome position (GRCh38, 1-based): chr16:56,485,739, C>T on the plus strand (G>A on the coding strand, the complement: BBS2 is on the minus strand). VCF-style: chr16-56485739-C-T. GRCh37 (hg19) VCF-style: chr16-56519651-C-T.
Other names: c.1911-1G>A (NM_001377456.1).
Identifiers: ClinVar variation 557254 (VCV000557254.9), dbSNP rs1555520256, ClinGen allele CA395973868.
Genomic context (GRCh38, chr16:56,485,739, plus strand): 5'-CCATTTAGCAAGTCTCTATTAAGGTCATAGAGTTCCATATAACGACTCTTCATTGTTTTC[C>T]TGTGCAAATCAGTAGAAATTTGACATCATTTCATGTTGATATGGCAAGCTTAAGAAAAAC-3'